The following is an entry in ClinVar:

NC_012920.1(MT-ND3):m.10329T>C

Gene: MT-ND3 (mitochondrially encoded NADH dehydrogenase 3; plus strand).
Variant type: single nucleotide variant.
Genome position: chrM-10329-T-C.
Identifiers: ClinVar variation 693281 (VCV000693281.1), dbSNP rs878943163, ClinGen allele CA414805052.

ClinVar aggregate classification (germline): Uncertain significance (1 of 4 stars; one submission).

Conditions:
Leigh syndrome (NULS). Also called: Leigh's necrotizing encephalopathy; Leigh's disease; Leigh Syndrome (mtDNA deletion); Leigh Disease; Subacute necrotizing encephalopathy; Necrotizing encephalopathy infantile subacute of Leigh. Identifiers: Orphanet 506, MedGen C2931891, MONDO:0009723, OMIM 256000.

Submission:

Wong Mito Lab, Molecular and Human Genetics, Baylor College of Medicine
Classification: Uncertain significance for Leigh syndrome. Last evaluated: 2019-10-17. Review status: criteria provided, single submitter. Criteria: Modified ACMG Guidelines (Unpublished). Collection method: clinical testing. Allele origin: germline.
Comment: The NC_012920.1:m.10329T>C (YP_003024033.1:p.Ser91Pro) variant in MTND3 gene is interpretated to be a Uncertain Significance variant based on the modified ACMG guidelines (unpublished). This variant meets the following evidence codes: PP6, PP7